The following is an entry in ClinVar:

NM_002476.2(MYL4):c.418C>T (p.Arg140Cys)

Gene: MYL4 (myosin light chain 4; plus strand). Cytogenetic location: 17q21.32.
Variant type: single nucleotide variant.
Coding change: c.418C>T on transcript NM_002476.2 (MANE Select); coding-DNA position 418, C replaced by T.
Protein change: p.Arg140Cys; replaces arginine 140 with cysteine.
Molecular consequence: missense variant.
Genome position (GRCh38, 1-based): chr17:47,221,786, C>T. VCF-style: chr17-47221786-C-T. GRCh37 (hg19) VCF-style: chr17-45299152-C-T.
Other names: c.418C>T, p.Arg140Cys (NM_001002841.2); short protein forms R140C.
Identifiers: ClinVar variation 542788 (VCV000542788.8), dbSNP rs767035280, ClinGen allele CA8622738.

ClinVar aggregate classification (germline): Uncertain significance (1 of 4 stars; one submission).

Conditions:
Atrial fibrillation, familial, 18 (ATFB18). Identifiers: MedGen C4310636, MONDO:0015001, OMIM 617280.

Allele frequency attached by ClinVar (database versions not stated): gnomAD exomes 0.00003 and 0.00004; TOPMed 0.00005; ExAC 0.00007; gnomAD 0.00007 and 0.00008.

Submission:

Labcorp Genetics (formerly Invitae), Labcorp
Classification: Uncertain significance for Atrial fibrillation, familial, 18. Last evaluated: 2025-12-02. Review status: criteria provided, single submitter. Criteria: Invitae Variant Classification Sherloc (09022015). Collection method: clinical testing. Allele origin: germline.
Comment: This sequence change replaces arginine, which is basic and polar, with cysteine, which is neutral and slightly polar, at codon 140 of the MYL4 protein (p.Arg140Cys). This variant is present in population databases (rs767035280, gnomAD 0.02%). This variant has not been reported in the literature in individuals affected with MYL4-related conditions. ClinVar contains an entry for this variant (Variation ID: 542788). An algorithm developed to predict the effect of missense changes on protein structure and function (PolyPhen-2) suggests that this variant is likely to be disruptive. In summary, the available evidence is currently insufficient to determine the role of this variant in disease. Therefore, it has been classified as a Variant of Uncertain Significance.